The following is an entry in ClinVar:

NM_014314.4(RIGI):c.428G>C (p.Cys143Ser)

Gene: RIGI (RNA sensor RIG-I; minus strand). Cytogenetic location: 9p21.1.
Variant type: single nucleotide variant.
Coding change: c.428G>C on transcript NM_014314.4 (MANE Select); coding-DNA position 428, G replaced by C.
Protein change: p.Cys143Ser; replaces cysteine 143 with serine.
Molecular consequence: missense variant. On other transcripts: 5 prime UTR variant (2), intron variant (2).
Genome position (GRCh38, 1-based): chr9:32,492,534, C>G on the plus strand (G>C on the coding strand, the complement: RIGI is on the minus strand). VCF-style: chr9-32492534-C-G. GRCh37 (hg19) VCF-style: chr9-32492532-C-G.
Other names: c.428G>C, p.Cys143Ser (NM_001385907.1, NM_001385909.1); c.-14G>C (NM_001385910.1, NM_001385914.1); c.-38-1114G>C (NM_001385912.1); c.424-11G>C (NM_001385913.1); short protein forms C143S.
Identifiers: ClinVar variation 4722352 (VCV004722352.1).

ClinVar aggregate classification (germline): Uncertain significance (1 of 4 stars; one submission).

Submission:

Labcorp Genetics (formerly Invitae), Labcorp
Classification: Uncertain significance. Last evaluated: 2025-06-29. Review status: criteria provided, single submitter. Criteria: Invitae Variant Classification Sherloc (09022015). Collection method: clinical testing. Allele origin: germline.
Comment: This sequence change replaces cysteine, which is neutral and slightly polar, with serine, which is neutral and polar, at codon 143 of the DDX58 protein (p.Cys143Ser). This variant is not present in population databases (gnomAD no frequency). This variant has not been reported in the literature in individuals affected with DDX58-related conditions. An algorithm developed to predict the effect of missense changes on protein structure and function outputs the following: PolyPhen-2: "Benign". The serine amino acid residue is found in multiple mammalian species, which suggests that this missense change does not adversely affect protein function. In summary, the available evidence is currently insufficient to determine the role of this variant in disease. Therefore, it has been classified as a Variant of Uncertain Significance.